The following is an entry in ClinVar:

NM_004958.4(MTOR):c.5978A>G (p.Lys1993Arg)

Gene: MTOR (mechanistic target of rapamycin kinase; minus strand). Cytogenetic location: 1p36.22.
Variant type: single nucleotide variant.
Coding change: c.5978A>G on transcript NM_004958.4 (MANE Select); coding-DNA position 5978, A replaced by G.
Protein change: p.Lys1993Arg; replaces lysine 1993 with arginine.
Molecular consequence: missense variant.
Genome position (GRCh38, 1-based): chr1:11,128,059, T>C on the plus strand (A>G on the coding strand, the complement: MTOR is on the minus strand). VCF-style: chr1-11128059-T-C. GRCh37 (hg19) VCF-style: chr1-11188116-T-C.
Other names: NM_004958.4(MTOR):c.5978A>G; p.Lys1993Arg; short protein forms K1993R.
Identifiers: ClinVar variation 833713 (VCV000833713.13), dbSNP rs373390383, ClinGen allele CA589193.

ClinVar aggregate classification (germline): Uncertain significance. Review status: reviewed by expert panel (3 of 4 stars). 2 submissions from 2 submitters: Uncertain significance (1). 1 of the submissions does not count toward it. Last evaluated 2022-02-11.

Conditions:
Overgrowth syndrome and/or cerebral malformations due to abnormalities in MTOR pathway genes. Identifiers: MedGen CN300503, MONDO:0100283.

Allele frequency attached by ClinVar (database versions not stated): gnomAD 0.00001 and 0.00002; ExAC 0.00003; gnomAD exomes 0.00003 and 0.00006; TOPMed 0.00006; ESP Exome Variant Server 0.00008.
gnomAD v4.1: 40 of 1,614,074 alleles (0.0025%); highest among the groups gnomAD compares: Admixed American, 0.028%; no homozygotes.

Submissions (2):

ClinGen Brain Malformations Variant Curation Expert Panel
Classification: Uncertain significance for Overgrowth syndrome and/or cerebral malformations due to abnormalities in MTOR pathway genes. Last evaluated: 2022-02-11. Review status: reviewed by expert panel. Criteria: ClinGen BrainMalform ACMG Specifications v1. Collection method: curation. Allele origin: germline. Inheritance: Autosomal dominant inheritance.
Comment: The c.5978A>G (NM_004958.4) variant in MTOR is a missense variant predicted to cause substitution of (p.Lys1993Arg). MTOR, in which the variant was identified, is defined by the ClinGen Brain Malformations Expert Panel as a gene that has a low rate of benign missense variation and where pathogenic missense variants are a common mechanism of disease (PP2). In summary, this variant meets the criteria to be classified as a variant of uncertain significance for mosaic autosomal dominant overgrowth with or without cerebral malformations due to abnormalities in MTOR-pathway genes based on the ACMG/AMP criteria applied, as specified by the ClinGen Brain Malformations Expert Panel: PP2; 1 point (VCEP specifications version 1; Approved: 1/31/2021)

Labcorp Genetics (formerly Invitae), Labcorp
Classification: Benign. Last evaluated: 2026-01-05. Review status: criteria provided, single submitter. Criteria: Invitae Variant Classification Sherloc (09022015). Collection method: clinical testing. Allele origin: germline. Not counted in ClinVar's aggregate classification.